The following is an entry in ClinVar:

NM_001101648.2(NPC1L1):c.825C>T (p.Thr275=)

Gene: NPC1L1 (NPC1 like intracellular cholesterol transporter 1; minus strand). Cytogenetic location: 7p13.
Variant type: single nucleotide variant.
Coding change: c.825C>T on transcript NM_001101648.2 (MANE Select); coding-DNA position 825, C replaced by T.
Protein change: p.Thr275=; no amino-acid change (threonine 275 retained).
Molecular consequence: synonymous variant.
Genome position (GRCh38, 1-based): chr7:44,539,572, G>A on the plus strand (C>T on the coding strand, the complement: NPC1L1 is on the minus strand). VCF-style: chr7-44539572-G-A. GRCh37 (hg19) VCF-style: chr7-44579171-G-A.
Other names: c.825C>T, p.Thr275= (NM_001300967.2, NM_013389.3).
Identifiers: ClinVar variation 3048328 (VCV003048328.2), dbSNP rs570409961, ClinGen allele CA4242349.

ClinVar aggregate classification (germline): Likely benign (0 of 4 stars; one submission).

Conditions:
NPC1L1-related disorder. Also called: NPC1L1-related condition.

Allele frequency attached by ClinVar (database versions not stated): TOPMed 0.00003; gnomAD 0.00009; gnomAD exomes 0.00017; ExAC 0.00046; 1000 Genomes Project 30x 0.00078; 1000 Genomes Project 0.00100.
gnomAD v4.1: 260 of 1,614,152 alleles (0.016%); highest among the groups gnomAD compares: South Asian, 0.27%; 2 homozygotes.

Submission:

PreventionGenetics, part of Exact Sciences
Classification: Likely benign for NPC1L1-related condition. Last evaluated: 2019-11-16. Review status: no assertion criteria provided. Collection method: clinical testing. Allele origin: germline.
Comment: This variant is classified as likely benign based on ACMG/AMP sequence variant interpretation guidelines (Richards et al. 2015 PMID: 25741868, with internal and published modifications).